The following is an entry in ClinVar:

ClinVar aggregate classification (germline): Likely pathogenic (1 of 4 stars; one submission).

Conditions:
Patterned macular dystrophy 1. Also called: BUTTERFLY DYSTROPHY OF RETINAL PIGMENT EPITHELIUM; MACULAR DYSTROPHY, BUTTERFLY-SHAPED PIGMENTARY. Identifiers: Orphanet 99001, MedGen C4551999, MONDO:0008210, OMIM 169150.
Retinitis pigmentosa 7 (RP7). Identifiers: Orphanet 791, MedGen C1842475, MONDO:0011974, OMIM 608133.
Pigmentary retinal dystrophy. Also called: Fundus albipunctatus. Identifiers: Orphanet 227796, Orphanet 52427, MedGen C0311338, MONDO:0007639, OMIM 136880, HP:0030642.
Vitelliform macular dystrophy 3 (VMD3). Also called: PRPH2 vitelliform macular dystrophy; vitelliform macular dystrophy caused by mutation in PRPH2. Identifiers: MedGen CN295869, MONDO:0024561, OMIM 608161.
Choroidal dystrophy, central areolar 2 (CACD2). Also called: MACULAR DYSTROPHY, PROGRESSIVE; Choriodal Dystrophy, Central Areolar 2. Identifiers: Orphanet 75377, MedGen C2751290, MONDO:0013137, OMIM 613105.

Submission:

Juno Genomics, Hangzhou Juno Genomics, Inc
Classification: Likely pathogenic for Choroidal dystrophy, central areolar 2; Retinitis pigmentosa 7; Patterned macular dystrophy 1; Vitelliform macular dystrophy 3; Pigmentary retinal dystrophy. Review status: criteria provided, single submitter. Criteria: ACMG Guidelines, 2015. Collection method: clinical testing. Allele origin: germline. Affected: yes.
Comment: Absent from controls (or at extremely low frequency if recessive) in Genome Aggregation Database, Exome Sequencing Project, 1000 Genomes Project, or Exome Aggregation Consortium.;Null variant in a gene where loss of function (LOF) is a known mechanism of disease.;Patient's phenotype or family history is highly specific for a disease with a single genetic etiology.

NM_000322.5(PRPH2):c.920_921insCTTGAGGAATCTGAGAGCGAGAGCCAGGGCTGGCT (p.Glu309fs)

Gene: PRPH2 (peripherin 2; minus strand). Cytogenetic location: 6p21.1.
Variant type: Microsatellite.
Coding change: c.920_921insCTTGAGGAATCTGAGAGCGAGAGCCAGGGCTGGCT on transcript NM_000322.5 (MANE Select); coding-DNA positions 920 to 921, CTTGAGGAATCTGAGAGCGAGAGCCAGGGCTGGCT inserted.
Protein change: p.Glu309fs; shifts the reading frame from glutamic acid 309.
Molecular consequence: frameshift variant.
Genome position: GRCh38: chr6:42,698,416-42,698,447. GRCh37 (hg19): chr6:42,666,154-42,666,185.
Other names: short protein forms E309fs.
Identifiers: ClinVar variation 3899360 (VCV003899360.2).